The following is an entry in ClinVar:

NM_006147.4(IRF6):c.257C>T (p.Ala86Val)

Gene: IRF6 (interferon regulatory factor 6; minus strand). Cytogenetic location: 1q32.2.
Variant type: single nucleotide variant.
Coding change: c.257C>T on transcript NM_006147.4 (MANE Select); coding-DNA position 257, C replaced by T.
Protein change: p.Ala86Val; replaces alanine 86 with valine.
Molecular consequence: missense variant. On other transcripts: 5 prime UTR variant (1).
Genome position (GRCh38, 1-based): chr1:209,796,470, G>A on the plus strand (C>T on the coding strand, the complement: IRF6 is on the minus strand). VCF-style: chr1-209796470-G-A. GRCh37 (hg19) VCF-style: chr1-209969815-G-A.
Other names: c.-29C>T (NM_001206696.2); short protein forms A86V.
Identifiers: ClinVar variation 4999069 (VCV004999069.1).

ClinVar aggregate classification (germline): Uncertain significance (1 of 4 stars; one submission).

Conditions:
IRF6-related condition. Also called: IRF6-Related Disorders; IRF6-related disorder. Identifiers: MedGen CN378148, MONDO:1040010.

Submission:

PreventionGenetics, part of Exact Sciences
Classification: Uncertain significance for IRF6-related condition. Last evaluated: 2025-08-05. Review status: criteria provided, single submitter. Criteria: ACMG Guidelines, 2015. Collection method: clinical testing. Allele origin: germline.
Comment: The IRF6 c.257C>T variant is predicted to result in the amino acid substitution p.Ala86Val. To our knowledge, this variant has not been reported in the literature or in a large population database (gnomAD), indicating this variant is rare. At this time, the clinical significance of this variant is uncertain due to the absence of conclusive functional and genetic evidence.